The following is an entry in ClinVar:

NM_002016.2(FLG):c.3620C>A (p.Ser1207Tyr)

Genes: CCDST (cervical cancer associated DHX9 suppressive transcript; plus strand), FLG (filaggrin; minus strand). Cytogenetic location: 1q21.3.
Variant type: single nucleotide variant.
Coding change: c.3620C>A on transcript NM_002016.2 (MANE Select); coding-DNA position 3620, C replaced by A.
Protein change: p.Ser1207Tyr; replaces serine 1207 with tyrosine.
Molecular consequence: missense variant.
Genome position (GRCh38, 1-based): chr1:152,311,266, G>T on the plus strand (C>A on the coding strand, the complement: FLG is on the minus strand). VCF-style: chr1-152311266-G-T. GRCh37 (hg19) VCF-style: chr1-152283742-G-T.
Other names: short protein forms S1207Y.
Identifiers: ClinVar variation 1219692 (VCV001219692.14), dbSNP rs142660239, ClinGen allele CA1106599.

ClinVar aggregate classification (germline): Benign/Likely benign. Review status: criteria provided, multiple submitters, no conflicts (2 of 4 stars). 3 submissions from 3 submitters: Benign (1); Likely benign (2). Last evaluated 2026-06-01.

Allele frequency attached by ClinVar (database versions not stated): 1000 Genomes Project 30x 0.00468; 1000 Genomes Project 0.00519; TOPMed 0.00884; ESP Exome Variant Server 0.01123; gnomAD 0.01238 and 0.01282.

Submissions (3):

CeGaT Center for Human Genetics Tuebingen
Classification: Benign. Last evaluated: 2026-06-01. Review status: criteria provided, single submitter. Criteria: CeGaT Center For Human Genetics Tuebingen Variant Classification Criteria Version 2. Collection method: clinical testing. Allele origin: germline. Affected: yes. Observed: 3 variant alleles.
Comment: FLG: BP4, BS1, BS2

GeneDx
Classification: Likely benign. Last evaluated: 2018-07-14. Review status: criteria provided, single submitter. Criteria: GeneDx Variant Classification Process June 2021. Collection method: clinical testing. Allele origin: germline. Affected: yes.

Breakthrough Genomics
Classification: Likely benign. Review status: criteria provided, single submitter. Criteria: ACMG Guidelines, 2015. Collection method: not provided. Allele origin: germline. Inheritance: Autosomal dominant inheritance. Affected: yes.